The following is an entry in ClinVar:

ClinVar aggregate classification (germline): Pathogenic. Review status: criteria provided, multiple submitters, no conflicts (2 of 4 stars). 5 submissions from 5 submitters: Pathogenic (5). Last evaluated 2026-04-09.

Conditions:
COL2A1-related disorder. Also called: COL2A1-related condition; COL2A1-related disorders.
Stickler syndrome. Identifiers: Orphanet 828, MedGen C0265253, MONDO:0019354.

Allele frequency attached by ClinVar (database versions not stated): gnomAD exomes below 0.00001.

Submissions (5):

Cambridge Genomics Laboratory, East Genomic Laboratory Hub, NHS Genomic Medicine Service
Classification: Pathogenic for Stickler syndrome. Last evaluated: 2026-04-09. Review status: criteria provided, single submitter. Criteria: ACGS Best Practice Guidelines for Variant Classification in Rare Disease 2020. Collection method: clinical testing. Allele origin: germline. Affected: yes.
Comment: PVS1,PS4_Moderate,PM2

PreventionGenetics, part of Exact Sciences
Classification: Pathogenic for COL2A1-related condition. Last evaluated: 2025-03-14. Review status: criteria provided, single submitter. Criteria: ACMG Guidelines, 2015. Collection method: clinical testing. Allele origin: germline.
Comment: The COL2A1 c.492delT variant is predicted to result in a frameshift and premature protein termination (p.Gly165Valfs*34). This variant has been reported in individuals with COL2A1-related Stickler syndrome (Richards et al 2006. PubMed ID: 16752401; Hoornaert et al 2010. PubMed ID: 20179744). This variant has not been reported in a large population database, indicating this variant is rare. Frameshift variants in COL2A1 are expected to be pathogenic. This variant is interpreted as pathogenic.

GeneDx
Classification: Pathogenic. Last evaluated: 2024-12-02. Review status: criteria provided, single submitter. Criteria: GeneDx Variant Classification Process June 2021. Collection method: clinical testing. Allele origin: germline. Affected: yes.
Comment: Identified in patients with Stickler syndrome referred for genetic testing at GeneDx and in published literature (PMID: 20179744, 16752401, 20513134); Not observed at significant frequency in large population cohorts (gnomAD); Frameshift variant predicted to result in protein truncation or nonsense mediated decay in a gene for which loss of function is a known mechanism of disease; This variant is associated with the following publications: (PMID: 20179744, 16752401, 20513134)

Labcorp Genetics (formerly Invitae), Labcorp
Classification: Pathogenic. Last evaluated: 2024-07-21. Review status: criteria provided, single submitter. Criteria: Invitae Variant Classification Sherloc (09022015). Collection method: clinical testing. Allele origin: germline.
Comment: This sequence change creates a premature translational stop signal (p.Gly165Valfs*34) in the COL2A1 gene. It is expected to result in an absent or disrupted protein product. Loss-of-function variants in COL2A1 are known to be pathogenic (PMID: 20179744). This variant is not present in population databases (gnomAD no frequency). This premature translational stop signal has been observed in individual(s) with Stickler syndrome type 1 (PMID: 16752401). ClinVar contains an entry for this variant (Variation ID: 1455711). For these reasons, this variant has been classified as Pathogenic.

Blueprint Genetics
Classification: Pathogenic for COL2A1-related disorders. Last evaluated: 2021-12-16. Review status: criteria provided, single submitter. Criteria: ACMG Guidelines, 2015. Collection method: clinical testing. Allele origin: germline. Affected: yes. Observed: 2 variant alleles.

Literature cited by the submitters: PubMed 20179744 (cited by Labcorp Genetics (formerly Invitae), Labcorp); PubMed 16752401 (cited by Labcorp Genetics (formerly Invitae), Labcorp).

NM_001844.5(COL2A1):c.492del (p.Gly165fs)

Gene: COL2A1 (collagen type II alpha 1 chain; minus strand). Cytogenetic location: 12q13.11.
Variant type: Deletion.
Coding change: c.492del on transcript NM_001844.5 (MANE Select); coding-DNA position 492, one base deleted (T; older notation c.492delT).
Protein change: p.Gly165fs; shifts the reading frame from glycine 165.
Molecular consequence: frameshift variant.
Genome position (GRCh38, 1-based): chr12:47,997,645, A deleted on the plus strand (T on the coding strand, the reverse complement: COL2A1 is on the minus strand). VCF-style (leftmost placement, unchanged base first): chr12-47997644-CA-C. GRCh37 (hg19) VCF-style: chr12-48391427-CA-C.
Other names: c.492delT (NM_001844.4); c.492del (NM_001844.4); c.285del, p.Gly96fs (NM_033150.3); short protein forms G96fs, G165fs.
Identifiers: ClinVar variation 1455711 (VCV001455711.10), dbSNP rs2136626176, ClinGen allele CA2573148726.
Genomic context (GRCh38, chr12:47,997,644, plus strand): 5'-AATGGGAAGTAAGGATACTTACTCCACCAAGACCAGGGGGACCAGGGGGGCCGGGAGGAC[CA>C]GGGGGGCCAGGATTTCCAGGGGTCCCAGGTTCTCCATCTCTGCCACGAGGTCCAGGGGCA-3'